The following is an entry in ClinVar:

ClinVar aggregate classification (germline): Uncertain significance (1 of 4 stars; one submission).

Conditions:
Inborn genetic diseases. Identifiers: MedGen C0950123, MeSH D030342.

Submission:

Ambry Genetics
Classification: Uncertain significance for Inborn genetic diseases. Last evaluated: 2026-06-27. Review status: criteria provided, single submitter. Criteria: Ambry Variant Classification Scheme 2023. Collection method: clinical testing. Allele origin: germline.
Comment: The p.A1423P variant (also known as c.4267G>C), located in coding exon 43 of the FANCA gene, results from a G to C substitution at nucleotide position 4267. The alanine at codon 1423 is replaced by proline, an amino acid with highly similar properties. This amino acid position is conserved. In addition, the in silico prediction for this alteration is inconclusive. Based on the available evidence, the clinical significance of this variant remains unclear.

NM_000135.4(FANCA):c.4267G>C (p.Ala1423Pro)

Genes: FANCA (FA complementation group A; minus strand), ZNF276 (zinc finger protein 276; plus strand). Cytogenetic location: 16q24.3.
Variant type: single nucleotide variant.
Coding change: c.4267G>C on transcript NM_000135.4 (MANE Select); coding-DNA position 4267, G replaced by C.
Protein change: p.Ala1423Pro; replaces alanine 1423 with proline.
Molecular consequence: missense variant. On other transcripts: 3 prime UTR variant (2), non-coding transcript variant (4).
Genome position (GRCh38, 1-based): chr16:89,738,702, C>G on the plus strand (G>C on the coding strand, the complement: FANCA is on the minus strand). VCF-style: chr16-89738702-C-G. GRCh37 (hg19) VCF-style: chr16-89805110-C-G.
Other names: c.4271G>C, p.Gly1424Ala (NM_001286167.3); c.*456C>G (NM_001113525.2, NM_152287.4); short protein forms G1424A, A1423P.
Identifiers: ClinVar variation 5036326 (VCV005036326.1).